The following is an entry in ClinVar:

NM_005559.4(LAMA1):c.5450T>C (p.Ile1817Thr)

Gene: LAMA1 (laminin subunit alpha 1; minus strand). Cytogenetic location: 18p11.31.
Variant type: single nucleotide variant.
Coding change: c.5450T>C on transcript NM_005559.4 (MANE Select); coding-DNA position 5450, T replaced by C.
Protein change: p.Ile1817Thr; replaces isoleucine 1817 with threonine.
Molecular consequence: missense variant.
Genome position (GRCh38, 1-based): chr18:6,985,573, A>G on the plus strand (T>C on the coding strand, the complement: LAMA1 is on the minus strand). VCF-style: chr18-6985573-A-G. GRCh37 (hg19) VCF-style: chr18-6985572-A-G.
Other names: c.5450T>C (NM_005559.3); short protein forms I1817T.
Identifiers: ClinVar variation 2168200 (VCV002168200.6), dbSNP rs746074229, ClinGen allele CA8881598.

ClinVar aggregate classification (germline): Uncertain significance. Review status: criteria provided, multiple submitters, no conflicts (2 of 4 stars). 3 submissions from 3 submitters: Uncertain significance (3). Last evaluated 2025-01-30.

Conditions:
Inborn genetic diseases. Identifiers: MedGen C0950123, MeSH D030342.

Allele frequency attached by ClinVar (database versions not stated): ExAC 0.00004; gnomAD 0.00005; TOPMed 0.00007.
gnomAD v4.1: 194 of 1,614,078 alleles (0.012%); highest among the groups gnomAD compares: Non-Finnish European, 0.015%; no homozygotes.

Submissions (3):

Labcorp Genetics (formerly Invitae), Labcorp
Classification: Uncertain significance. Last evaluated: 2025-01-30. Review status: criteria provided, single submitter. Criteria: Invitae Variant Classification Sherloc (09022015). Collection method: clinical testing. Allele origin: germline.
Comment: This sequence change replaces isoleucine, which is neutral and non-polar, with threonine, which is neutral and polar, at codon 1817 of the LAMA1 protein (p.Ile1817Thr). This variant is present in population databases (rs746074229, gnomAD 0.008%). This variant has not been reported in the literature in individuals affected with LAMA1-related conditions. ClinVar contains an entry for this variant (Variation ID: 2168200). Invitae Evidence Modeling of protein sequence and biophysical properties (such as structural, functional, and spatial information, amino acid conservation, physicochemical variation, residue mobility, and thermodynamic stability) indicates that this missense variant is not expected to disrupt LAMA1 protein function with a negative predictive value of 80%. In summary, the available evidence is currently insufficient to determine the role of this variant in disease. Therefore, it has been classified as a Variant of Uncertain Significance.

Ambry Genetics
Classification: Uncertain significance for Inborn genetic diseases. Last evaluated: 2024-01-16. Review status: criteria provided, single submitter. Criteria: Ambry Variant Classification Scheme 2023. Collection method: clinical testing. Allele origin: germline.

GeneDx
Classification: Uncertain significance. Last evaluated: 2021-07-09. Review status: criteria provided, single submitter. Criteria: GeneDx Variant Classification Process June 2021. Collection method: clinical testing. Allele origin: germline. Affected: yes.
Comment: In silico analysis supports that this missense variant does not alter protein structure/function; Has not been previously published as pathogenic or benign to our knowledge; This variant is associated with the following publications: (PMID: 27535533)